The following is an entry in ClinVar:

NM_024675.4(PALB2):c.3470A>G (p.Gln1157Arg)

Gene: PALB2 (partner and localizer of BRCA2; minus strand). Cytogenetic location: 16p12.2.
Variant type: single nucleotide variant.
Coding change: c.3470A>G on transcript NM_024675.4 (MANE Select); coding-DNA position 3470, A replaced by G.
Protein change: p.Gln1157Arg; replaces glutamine 1157 with arginine.
Molecular consequence: missense variant. On other transcripts: 3 prime UTR variant (5).
Genome position (GRCh38, 1-based): chr16:23,603,550, T>C on the plus strand (A>G on the coding strand, the complement: PALB2 is on the minus strand). VCF-style: chr16-23603550-T-C. GRCh37 (hg19) VCF-style: chr16-23614871-T-C.
Other names: c.3410A>G, p.Gln1137Arg (NM_001407296.1); c.3398A>G, p.Gln1133Arg (NM_001407297.1); c.3308A>G, p.Gln1103Arg (NM_001407298.1); c.3233A>G, p.Gln1078Arg (NM_001407299.1); c.3191A>G, p.Gln1064Arg (NM_001407300.1); c.*105A>G (NM_001407301.1, NM_001407302.1, NM_001407310.1 and 2 more transcripts); c.2585A>G, p.Gln862Arg (NM_001407304.1, NM_001407305.1, NM_001407306.1); c.2423A>G, p.Gln808Arg (NM_001407307.1); and 3 more; short protein forms Q1078R, Q1137R, Q1103R, Q1133R, Q561R, Q335R, Q783R, Q808R.
Identifiers: ClinVar variation 2453312 (VCV002453312.2), dbSNP rs1567205033, ClinGen allele CA395138025.
Genomic context (GRCh38, chr16:23,603,550, plus strand): 5'-TCTTTTTGTCCAGCCAGCAAATGAGAGTCTGTACCCGACCATTTCACAAAAGACCAATGT[T>C]GGTCAGAGACAGGTGGGAGGAGGGCAGTACACTGACCGAGAAGTAAGTCCCAAATGGCAA-3'
Protein context (NP_078951.2, residues 1147-1167): CTALLPPVSD[Gln1157Arg]HWSFVKWSGT

ClinVar aggregate classification (germline): Uncertain significance (1 of 4 stars; one submission).

Conditions:
Hereditary cancer-predisposing syndrome. Also called: Neoplastic Syndromes, Hereditary; Tumor predisposition; Hereditary neoplastic syndrome; Hereditary Cancer Syndrome. Identifiers: Orphanet 140162, MedGen C0027672, MeSH D009386, MONDO:0015356.

Submission:

Ambry Genetics
Classification: Uncertain significance for Hereditary cancer-predisposing syndrome. Last evaluated: 2023-02-21. Review status: criteria provided, single submitter. Criteria: Ambry Variant Classification Scheme 2023. Collection method: clinical testing. Allele origin: germline.
Comment: The p.Q1157R variant (also known as c.3470A>G), located in coding exon 13 of the PALB2 gene, results from an A to G substitution at nucleotide position 3470. The glutamine at codon 1157 is replaced by arginine, an amino acid with highly similar properties. This amino acid position is conserved. In addition, this alteration is predicted to be tolerated by in silico analysis. Since supporting evidence is limited at this time, the clinical significance of this alteration remains unclear.